The following is an entry in ClinVar:

NM_000256.3(MYBPC3):c.2561T>C (p.Met854Thr)

Gene: MYBPC3 (myosin binding protein C3; minus strand). Cytogenetic location: 11p11.2.
Variant type: single nucleotide variant.
Coding change: c.2561T>C on transcript NM_000256.3 (MANE Select); coding-DNA position 2561, T replaced by C.
Protein change: p.Met854Thr; replaces methionine 854 with threonine.
Molecular consequence: missense variant.
Genome position (GRCh38, 1-based): chr11:47,337,432, A>G on the plus strand (T>C on the coding strand, the complement: MYBPC3 is on the minus strand). VCF-style: chr11-47337432-A-G. GRCh37 (hg19) VCF-style: chr11-47358983-A-G.
Other names: short protein forms M854T.
Identifiers: ClinVar variation 3706294 (VCV003706294.3).

ClinVar aggregate classification (germline): Uncertain significance. Review status: criteria provided, multiple submitters, no conflicts (2 of 4 stars). 2 submissions from 2 submitters: Uncertain significance (2). Last evaluated 2025-07-15.

Conditions:
Cardiomyopathy (CMYO). Also called: Cardiomyopathies. Identifiers: Orphanet 167848, MedGen C0878544, MONDO:0004994, HP:0001638. Inheritance: Various modes of inheritance.
Hypertrophic cardiomyopathy. Also called: HYPERTROPHIC MYOCARDIOPATHY. Identifiers: Orphanet 217569, MedGen C0007194, MeSH D002312, MONDO:0005045, HP:0001639.

Submissions (2):

Color Diagnostics, LLC DBA Color Health
Classification: Uncertain significance for Cardiomyopathy. Last evaluated: 2025-07-15. Review status: criteria provided, single submitter. Criteria: ACMG Guidelines, 2015. Collection method: clinical testing. Allele origin: germline.
Comment: This missense variant replaces methionine with threonine at codon 854 of the MYBPC3 protein. Computational prediction suggests that this variant may not impact protein structure and function. To our knowledge, functional studies have not been reported for this variant. This variant has not been reported in individuals affected with MYBPC3-related disorders in the literature. This variant has not been identified in the general population by the Genome Aggregation Database (gnomAD). The available evidence is insufficient to determine the role of this variant in disease conclusively. Therefore, this variant is classified as a Variant of Uncertain Significance.

Labcorp Genetics (formerly Invitae), Labcorp
Classification: Uncertain significance for Hypertrophic cardiomyopathy. Last evaluated: 2024-03-28. Review status: criteria provided, single submitter. Criteria: Invitae Variant Classification Sherloc (09022015). Collection method: clinical testing. Allele origin: germline.
Comment: This sequence change replaces methionine, which is neutral and non-polar, with threonine, which is neutral and polar, at codon 854 of the MYBPC3 protein (p.Met854Thr). This variant is not present in population databases (gnomAD no frequency). This variant has not been reported in the literature in individuals affected with MYBPC3-related conditions. An algorithm developed to predict the effect of missense changes on protein structure and function (PolyPhen-2) suggests that this variant is likely to be disruptive. In summary, the available evidence is currently insufficient to determine the role of this variant in disease. Therefore, it has been classified as a Variant of Uncertain Significance.